The following is an entry in ClinVar:

NM_020686.6(ABAT):c.*989T>C

Gene: ABAT (4-aminobutyrate aminotransferase; plus strand). Cytogenetic location: 16p13.2.
Variant type: single nucleotide variant.
Coding change: c.*989T>C on transcript NM_020686.6 (MANE Select); 989 bases downstream of the stop codon, T replaced by C.
Molecular consequence: 3 prime UTR variant.
Genome position (GRCh38, 1-based): chr16:8,782,419, T>C. VCF-style: chr16-8782419-T-C. GRCh37 (hg19) VCF-style: chr16-8876276-T-C.
Other names: c.*989T>C (NM_000663.5, NM_001127448.2, NM_001386600.1 and 14 more transcripts); c.*1003T>C (NM_001386609.1, NM_001386616.1).
Identifiers: ClinVar variation 886490 (VCV000886490.4), dbSNP rs533930699, ClinGen allele CA277476701.

ClinVar aggregate classification (germline): Likely benign (1 of 4 stars; one submission).

Conditions:
Gamma-aminobutyric acid transaminase deficiency (GABATD). Also called: GABA transaminase deficiency; Gamma aminobutyrate transaminase deficiency; 4 alpha aminobutyrate transaminase deficiency; GABA aminotransaminase deficiency. Identifiers: Orphanet 2066, MedGen C0342708, MONDO:0013166, OMIM 613163.

Allele frequency attached by ClinVar (database versions not stated): TOPMed 0.00009; gnomAD 0.00021 and 0.00029; 1000 Genomes Project 0.00060; 1000 Genomes Project 30x 0.00062.

Submission:

Illumina Laboratory Services, Illumina
Classification: Likely benign for Gamma-aminobutyric acid transaminase deficiency. Last evaluated: 2018-01-12. Review status: criteria provided, single submitter. Criteria: ICSL Variant Classification Criteria 13 December 2019. Collection method: clinical testing. Allele origin: germline.
Comment: This variant was observed in the ICSL laboratory as part of a predisposition screen in an ostensibly healthy population. It had not been previously curated by ICSL or reported in the Human Gene Mutation Database (HGMD: prior to June 1st, 2018), and was therefore a candidate for classification through an automated scoring system. Utilizing variant allele frequency, disease prevalence and penetrance estimates, and inheritance mode, an automated score was calculated to assess if this variant is too frequent to cause the disease. Based on the score and internal cut-off values, a variant classified as likely benign is not then subjected to further curation. The score for this variant resulted in a classification of likely benign for this disease.